The following is an entry in ClinVar:

ClinVar aggregate classification (germline): Likely benign (0 of 4 stars; one submission).

Conditions:
TDRD9-related disorder. Also called: TDRD9-related condition.

Allele frequency attached by ClinVar (database versions not stated): gnomAD exomes 0.00017; gnomAD 0.00027; TOPMed 0.00027; ESP Exome Variant Server 0.00044; ExAC 0.00065.
gnomAD v4.1: 309 of 1,551,538 alleles (0.02%); highest among the groups gnomAD compares: African/African-American, 0.012%; 2 homozygotes.

Submission:

PreventionGenetics, part of Exact Sciences
Classification: Likely benign for TDRD9-related condition. Last evaluated: 2019-12-16. Review status: no assertion criteria provided. Collection method: clinical testing. Allele origin: germline.
Comment: This variant is classified as likely benign based on ACMG/AMP sequence variant interpretation guidelines (Richards et al. 2015 PMID: 25741868, with internal and published modifications).

NM_153046.3(TDRD9):c.531C>T (p.Ser177=)

Gene: TDRD9 (tudor domain containing 9; plus strand). Cytogenetic location: 14q32.33.
Variant type: single nucleotide variant.
Coding change: c.531C>T on transcript NM_153046.3 (MANE Select); coding-DNA position 531, C replaced by T.
Protein change: p.Ser177=; no amino-acid change (serine 177 retained).
Molecular consequence: synonymous variant.
Genome position (GRCh38, 1-based): chr14:103,965,443, C>T. VCF-style: chr14-103965443-C-T. GRCh37 (hg19) VCF-style: chr14-104431780-C-T.
Identifiers: ClinVar variation 3049271 (VCV003049271.2), dbSNP rs201249896, ClinGen allele CA7368240.